The following is an entry in ClinVar:

ClinVar aggregate classification (germline): Pathogenic (1 of 4 stars; one submission).

Conditions:
Fanconi anemia (FA). Also called: Fanconi's anemia. Identifiers: Orphanet 84, MedGen C0015625, MeSH D005199, MONDO:0019391.

Allele frequency attached by ClinVar (database versions not stated): TOPMed below 0.00001; gnomAD 0.00001.

Submission:

Labcorp Genetics (formerly Invitae), Labcorp
Classification: Pathogenic for Fanconi anemia. Last evaluated: 2023-08-30. Review status: criteria provided, single submitter. Criteria: Invitae Variant Classification Sherloc (09022015). Collection method: clinical testing. Allele origin: germline.
Comment: This sequence change creates a premature translational stop signal (p.Trp451*) in the FANCG gene. It is expected to result in an absent or disrupted protein product. Loss-of-function variants in FANCG are known to be pathogenic (PMID: 12552564). This variant is not present in population databases (gnomAD no frequency). This variant has not been reported in the literature in individuals affected with FANCG-related conditions. For these reasons, this variant has been classified as Pathogenic.

Literature cited by the submitters: PubMed 12552564.

NM_004629.2(FANCG):c.1352G>A (p.Trp451Ter)

Gene: FANCG (FA complementation group G; minus strand). Cytogenetic location: 9p13.3.
Variant type: single nucleotide variant.
Coding change: c.1352G>A on transcript NM_004629.2 (MANE Select); coding-DNA position 1352, G replaced by A.
Protein change: p.Trp451Ter; replaces tryptophan 451 with a stop codon.
Molecular consequence: nonsense.
Genome position (GRCh38, 1-based): chr9:35,075,546, C>T on the plus strand (G>A on the coding strand, the complement: FANCG is on the minus strand). VCF-style: chr9-35075546-C-T. GRCh37 (hg19) VCF-style: chr9-35075543-C-T.
Other names: short protein forms W451*.
Identifiers: ClinVar variation 2747092 (VCV002747092.3), dbSNP rs1829066424, ClinGen allele CA373307424.
Genomic context (GRCh38, chr9:35,075,546, plus strand): 5'-ACTTTTTGGGCACCCAGTTGAACCCAGGCCTGGCCCTGAAGCAGGTGGGTGGCAGAGACC[C>T]AGAGTGGGCAGTATGGCAGTTCCTTGGTTCCTTTTCTGGCATCTTCCCACAGCCGGGACA-3'